The following is an entry in ClinVar:

ClinVar aggregate classification (germline): Uncertain significance (1 of 4 stars; one submission).

Conditions:
Familial acute necrotizing encephalopathy (IIAE3). Also called: ENCEPHALOPATHY, ACUTE, INFECTION-INDUCED, SUSCEPTIBILITY TO, 3; Susceptibility to Acute Necrotizing Encephalopathy 1. Identifiers: Orphanet 88619, MedGen C2675556, MONDO:0011953, OMIM 608033.

Allele frequency attached by ClinVar (database versions not stated): gnomAD exomes below 0.00001; ExAC 0.00001; gnomAD 0.00001.
gnomAD v4.1: 26 of 1,611,766 alleles (0.0016%); highest among the groups gnomAD compares: Non-Finnish European, 0.0019%; no homozygotes.

Submission:

Labcorp Genetics (formerly Invitae), Labcorp
Classification: Uncertain significance for Familial acute necrotizing encephalopathy. Last evaluated: 2023-08-24. Review status: criteria provided, single submitter. Criteria: Invitae Variant Classification Sherloc (09022015). Collection method: clinical testing. Allele origin: germline.
Comment: In summary, the available evidence is currently insufficient to determine the role of this variant in disease. Therefore, it has been classified as a Variant of Uncertain Significance. This sequence change replaces glutamic acid, which is acidic and polar, with glycine, which is neutral and non-polar, at codon 672 of the RANBP2 protein (p.Glu672Gly). This variant is present in population databases (rs767990485, gnomAD 0.001%). This variant has not been reported in the literature in individuals affected with RANBP2-related conditions. ClinVar contains an entry for this variant (Variation ID: 1366358). An algorithm developed to predict the effect of missense changes on protein structure and function (PolyPhen-2) suggests that this variant is likely to be tolerated.

NM_006267.5(RANBP2):c.2015A>G (p.Glu672Gly)

Gene: RANBP2 (RAN binding protein 2; plus strand). Cytogenetic location: 2q13.
Variant type: single nucleotide variant.
Coding change: c.2015A>G on transcript NM_006267.5 (MANE Select); coding-DNA position 2015, A replaced by G.
Protein change: p.Glu672Gly; replaces glutamic acid 672 with glycine.
Molecular consequence: missense variant.
Genome position (GRCh38, 1-based): chr2:108,753,523, A>G. VCF-style: chr2-108753523-A-G. GRCh37 (hg19) VCF-style: chr2-109369979-A-G.
Other names: short protein forms E672G.
Identifiers: ClinVar variation 1366358 (VCV001366358.9), dbSNP rs767990485, ClinGen allele CA1822509.